The following is an entry in ClinVar:

NM_018136.5(ASPM):c.8345C>G (p.Thr2782Ser)

Gene: ASPM (assembly factor for spindle microtubules; minus strand). Cytogenetic location: 1q31.3.
Variant type: single nucleotide variant.
Coding change: c.8345C>G on transcript NM_018136.5 (MANE Select); coding-DNA position 8345, C replaced by G.
Protein change: p.Thr2782Ser; replaces threonine 2782 with serine.
Molecular consequence: missense variant. On other transcripts: intron variant (1).
Genome position (GRCh38, 1-based): chr1:197,100,906, G>C on the plus strand (C>G on the coding strand, the complement: ASPM is on the minus strand). VCF-style: chr1-197100906-G-C. GRCh37 (hg19) VCF-style: chr1-197070036-G-C.
Other names: c.4066-4742C>G (NM_001206846.2); short protein forms T2782S.
Identifiers: ClinVar variation 1361587 (VCV001361587.3), dbSNP rs142244523, ClinGen allele CA1309241.

ClinVar aggregate classification (germline): Uncertain significance (1 of 4 stars; one submission).

Allele frequency attached by ClinVar (database versions not stated): TOPMed below 0.00001; gnomAD 0.00001; ExAC 0.00002; gnomAD exomes 0.00002 and 0.00003; ESP Exome Variant Server 0.00008.
gnomAD v4.1: 47 of 1,612,564 alleles (0.0029%); highest among the groups gnomAD compares: Non-Finnish European, 0.004%; no homozygotes.

Submission:

Labcorp Genetics (formerly Invitae), Labcorp
Classification: Uncertain significance. Last evaluated: 2021-08-05. Review status: criteria provided, single submitter. Criteria: Invitae Variant Classification Sherloc (09022015). Collection method: clinical testing. Allele origin: germline.
Comment: This sequence change replaces threonine with serine at codon 2782 of the ASPM protein (p.Thr2782Ser). The threonine residue is weakly conserved and there is a small physicochemical difference between threonine and serine. This variant is present in population databases (rs142244523, ExAC 0.003%). This variant has not been reported in the literature in individuals affected with ASPM-related conditions. Algorithms developed to predict the effect of missense changes on protein structure and function output the following: SIFT: "Tolerated"; PolyPhen-2: "Benign"; Align-GVGD: "Class C0". The serine amino acid residue is found in multiple mammalian species, which suggests that this missense change does not adversely affect protein function. Algorithms developed to predict the effect of sequence changes on RNA splicing suggest that this variant may create or strengthen a splice site. In summary, the available evidence is currently insufficient to determine the role of this variant in disease. Therefore, it has been classified as a Variant of Uncertain Significance.